The following is an entry in ClinVar:

ClinVar aggregate classification (germline): Uncertain significance. Review status: criteria provided, multiple submitters, no conflicts (2 of 4 stars). 2 submissions from 2 submitters: Uncertain significance (2). Last evaluated 2025-11-03.

Conditions:
Emery-Dreifuss muscular dystrophy 5, autosomal dominant (EDMD5). Also called: EMERY-DREIFUSS MUSCULAR DYSTROPHY 5. Identifiers: Orphanet 261, MedGen C2751805, MONDO:0013072, OMIM 612999.

Allele frequency attached by ClinVar (database versions not stated): gnomAD 0.00007; gnomAD exomes 0.00007; ExAC 0.00008; TOPMed 0.00009.
gnomAD v4.1: 79 of 1,614,016 alleles (0.0049%); highest among the groups gnomAD compares: Non-Finnish European, 0.0048%; no homozygotes.

Submissions (2):

Labcorp Genetics (formerly Invitae), Labcorp
Classification: Uncertain significance for Emery-Dreifuss muscular dystrophy 5, autosomal dominant. Last evaluated: 2025-11-03. Review status: criteria provided, single submitter. Criteria: Invitae Variant Classification Sherloc (09022015). Collection method: clinical testing. Allele origin: germline.
Comment: This sequence change replaces serine, which is neutral and polar, with tyrosine, which is neutral and polar, at codon 2384 of the SYNE2 protein (p.Ser2384Tyr). This variant is present in population databases (rs759415502, gnomAD 0.02%). This variant has not been reported in the literature in individuals affected with SYNE2-related conditions. ClinVar contains an entry for this variant (Variation ID: 1462600). An algorithm developed to predict the effect of missense changes on protein structure and function (PolyPhen-2) suggests that this variant is likely to be disruptive. In summary, the available evidence is currently insufficient to determine the role of this variant in disease. Therefore, it has been classified as a Variant of Uncertain Significance.

Ambry Genetics
Classification: Uncertain significance. Last evaluated: 2025-04-25. Review status: criteria provided, single submitter. Criteria: Ambry Variant Classification Scheme 2023. Collection method: clinical testing. Allele origin: germline.

NM_182914.3(SYNE2):c.7151C>A (p.Ser2384Tyr)

Gene: SYNE2 (spectrin repeat containing nuclear envelope protein 2; plus strand). Cytogenetic location: 14q23.2.
Variant type: single nucleotide variant.
Coding change: c.7151C>A on transcript NM_182914.3 (MANE Select); coding-DNA position 7151, C replaced by A.
Protein change: p.Ser2384Tyr; replaces serine 2384 with tyrosine.
Molecular consequence: missense variant.
Genome position (GRCh38, 1-based): chr14:64,031,287, C>A. VCF-style: chr14-64031287-C-A. GRCh37 (hg19) VCF-style: chr14-64498005-C-A.
Other names: c.7151C>A, p.Ser2384Tyr (NM_015180.6); c.7151C>A (NM_182914.2); short protein forms S2384Y.
Identifiers: ClinVar variation 1462600 (VCV001462600.9), dbSNP rs759415502, ClinGen allele CA7220852.
Genomic context (GRCh38, chr14:64,031,287, plus strand): 5'-AACGCTCAACAGAAAAGAAAGGAAAGTTTACTCTGCCAGGCAGAGAGAAGCAGGCCACTT[C>A]TGATGTGCAGGAGTCTACTCAGGAATCAGCTGCAGTGGAAAAGTTGGAGGAAGACTGGGA-3'
Protein context (NP_878918.2, residues 2374-2394): TLPGREKQAT[Ser2384Tyr]DVQESTQESA